The following is an entry in ClinVar:

ClinVar aggregate classification (germline): Uncertain significance (1 of 4 stars; one submission).

Conditions:
Pyridoxine-dependent epilepsy (EPEO4). Also called: Pyridoxine-Dependent Epilepsy - ALDH7A1; PYRIDOXINE DEPENDENCY WITH SEIZURES; EPILEPSY, EARLY-ONSET, 4, VITAMIN B6-DEPENDENT; Pyridoxine-Dependent Seizures. Identifiers: Orphanet 3006, MedGen C1849508, MONDO:0009945, OMIM 266100. Disease mechanism: loss of function.

gnomAD v4.1: 1 of 1,614,018 alleles (0.000062%); highest among the groups gnomAD compares: Non-Finnish European, 0.000085%; no homozygotes.

Submission:

Labcorp Genetics (formerly Invitae), Labcorp
Classification: Uncertain significance for Pyridoxine-dependent epilepsy. Last evaluated: 2021-01-29. Review status: criteria provided, single submitter. Criteria: Invitae Variant Classification Sherloc (09022015). Collection method: clinical testing. Allele origin: germline.
Comment: This sequence change replaces aspartic acid with tyrosine at codon 420 of the ALDH7A1 protein (p.Asp420Tyr). The aspartic acid residue is highly conserved and there is a large physicochemical difference between aspartic acid and tyrosine. This variant is not present in population databases (ExAC no frequency). This variant has not been reported in the literature in individuals with ALDH7A1-related conditions. Algorithms developed to predict the effect of missense changes on protein structure and function (SIFT, PolyPhen-2, Align-GVGD) all suggest that this variant is likely to be disruptive, but these predictions have not been confirmed by published functional studies and their clinical significance is uncertain. In summary, the available evidence is currently insufficient to determine the role of this variant in disease. Therefore, it has been classified as a Variant of Uncertain Significance.

NM_001182.5(ALDH7A1):c.1258G>T (p.Asp420Tyr)

Gene: ALDH7A1 (aldehyde dehydrogenase 7 family member A1; minus strand). Cytogenetic location: 5q23.2.
Variant type: single nucleotide variant.
Coding change: c.1258G>T on transcript NM_001182.5 (MANE Select); coding-DNA position 1258, G replaced by T.
Protein change: p.Asp420Tyr; replaces aspartic acid 420 with tyrosine.
Molecular consequence: missense variant.
Genome position (GRCh38, 1-based): chr5:126,552,080, C>A on the plus strand (G>T on the coding strand, the complement: ALDH7A1 is on the minus strand). VCF-style: chr5-126552080-C-A. GRCh37 (hg19) VCF-style: chr5-125887772-C-A.
Other names: c.1174G>T, p.Asp392Tyr (NM_001201377.2); c.1066G>T, p.Asp356Tyr (NM_001202404.2); short protein forms D392Y, D356Y, D420Y.
Identifiers: ClinVar variation 1382380 (VCV001382380.8), dbSNP rs758810390, ClinGen allele CA360723131.